The following is an entry in ClinVar:

ClinVar aggregate classification (germline): Conflicting classifications of pathogenicity. Review status: criteria provided, conflicting classifications (1 of 4 stars). 2 submissions from 2 submitters: Uncertain significance (1); Likely benign (1). Last evaluated 2024-04-20.

Conditions:
Inborn genetic diseases. Identifiers: MedGen C0950123, MeSH D030342.
Intellectual developmental disorder, autosomal dominant 6, with or without seizures. Also called: Intellectual disability, autosomal dominant 6; GRIN2B-related developmental delay, intellectual disability and autism spectrum disorder. Identifiers: Orphanet 589547, MedGen C3151411, MONDO:0013509, OMIM 613970.
Developmental and epileptic encephalopathy, 27 (DEE27). Also called: GRIN2B-Related Neurodevelopmental Disorder; Epileptic encephalopathy, early infantile, 27. Identifiers: Orphanet 3451, MedGen C4015316, MONDO:0014505, OMIM 616139.

Allele frequency attached by ClinVar (database versions not stated): TOPMed 0.00004; 1000 Genomes Project 30x 0.00016; gnomAD 0.00003; 1000 Genomes Project 0.00020.

Submissions (2):

Labcorp Genetics (formerly Invitae), Labcorp
Classification: Likely benign for Developmental and epileptic encephalopathy, 27; Intellectual developmental disorder, autosomal dominant 6, with or without seizures. Last evaluated: 2024-04-20. Review status: criteria provided, single submitter. Criteria: Invitae Variant Classification Sherloc (09022015). Collection method: clinical testing. Allele origin: germline.

Ambry Genetics
Classification: Uncertain significance for Inborn genetic diseases. Last evaluated: 2016-08-19. Review status: criteria provided, single submitter. Criteria: Ambry Variant Classification Scheme 2023. Collection method: clinical testing. Allele origin: germline.
Comment: The p.R27H variant (also known as c.80G>A), located in coding exon 1 of the GRIN2B gene, results from a G to A substitution at nucleotide position 80. The arginine at codon 27 is replaced by histidine, an amino acid with highly similar properties. This variant was previously reported in the SNPDatabase as rs200727145. This variant was not reported in population based cohorts in the following databases: NHLBI Exome Sequencing Project (ESP) and 1000 Genomes Project. In the ESP, this variant was not observed in 6503 samples (13006 alleles) with coverage at this position. This amino acid position is not well conserved in available vertebrate species. In addition, this alteration is predicted to be benign and tolerated by PolyPhen and SIFT in silico analyses, respectively. Since supporting evidence is limited at this time, the clinical significance of this variant remains unclear.

NM_000834.5(GRIN2B):c.80G>A (p.Arg27His)

Gene: GRIN2B (glutamate ionotropic receptor NMDA type subunit 2B; minus strand). Cytogenetic location: 12p13.1.
Variant type: single nucleotide variant.
Coding change: c.80G>A on transcript NM_000834.5 (MANE Select); coding-DNA position 80, G replaced by A.
Protein change: p.Arg27His; replaces arginine 27 with histidine.
Molecular consequence: missense variant.
Genome position (GRCh38, 1-based): chr12:13,866,129, C>T on the plus strand (G>A on the coding strand, the complement: GRIN2B is on the minus strand). VCF-style: chr12-13866129-C-T. GRCh37 (hg19) VCF-style: chr12-14019063-C-T.
Other names: short protein forms R27H.
Identifiers: ClinVar variation 588168 (VCV000588168.15), dbSNP rs200727145, ClinGen allele CA6461464.